The following is an entry in ClinVar:

ClinVar aggregate classification (germline): Pathogenic (1 of 4 stars; one submission).

Submission:

Labcorp Genetics (formerly Invitae), Labcorp
Classification: Pathogenic. Last evaluated: 2022-02-14. Review status: criteria provided, single submitter. Criteria: Invitae Variant Classification Sherloc (09022015). Collection method: clinical testing. Allele origin: germline.
Comment: For these reasons, this variant has been classified as Pathogenic. This sequence change creates a premature translational stop signal (p.Ile346Lysfs*5) in the RFX6 gene. It is expected to result in an absent or disrupted protein product. Loss-of-function variants in RFX6 are known to be pathogenic (PMID: 20148032). This variant is not present in population databases (gnomAD no frequency). This variant has not been reported in the literature in individuals affected with RFX6-related conditions.

Literature cited by the submitters: PubMed 20148032.

NM_173560.4(RFX6):c.1037_1038del (p.Ile346fs)

Gene: RFX6 (regulatory factor X6; plus strand). Cytogenetic location: 6q22.1.
Variant type: Deletion.
Coding change: c.1037_1038del on transcript NM_173560.4 (MANE Select); coding-DNA positions 1037 to 1038, 2 bases deleted (TA; older notation c.1037_1038delTA).
Protein change: p.Ile346fs; shifts the reading frame from isoleucine 346.
Molecular consequence: frameshift variant.
Genome position (GRCh38, 1-based): chr6:116,919,151-116,919,152, TA deleted; deleting any 2 consecutive bases within chr6:116,919,150-116,919,152 gives the same sequence; the c. name uses the placement nearest the transcript's 3' end. VCF-style (leftmost placement, unchanged base first): chr6-116919149-CAT-C. GRCh37 (hg19) VCF-style: chr6-117240312-CAT-C.
Other names: short protein forms I346fs.
Identifiers: ClinVar variation 2055284 (VCV002055284.4), dbSNP rs2481934703, ClinGen allele CA2580074808.